The following is an entry in ClinVar:

NM_001394998.1(TANC2):c.1268A>T (p.His423Leu)

Gene: TANC2 (tetratricopeptide repeat, ankyrin repeat and coiled-coil containing 2; plus strand). Cytogenetic location: 17q23.3.
Variant type: single nucleotide variant.
Coding change: c.1268A>T on transcript NM_001394998.1 (MANE Select); coding-DNA position 1268, A replaced by T.
Protein change: p.His423Leu; replaces histidine 423 with leucine.
Molecular consequence: missense variant.
Genome position (GRCh38, 1-based): chr17:63,314,496, A>T. VCF-style: chr17-63314496-A-T. GRCh37 (hg19) VCF-style: chr17-61391857-A-T.
Other names: c.1046A>T, p.His349Leu (NM_001411076.1, NM_025185.4); short protein forms H349L, H423L.
Identifiers: ClinVar variation 2506713 (VCV002506713.1), dbSNP rs2045249106, ClinGen allele CA400794544.

ClinVar aggregate classification (germline): Uncertain significance (1 of 4 stars; one submission).

Submission:

GeneDx
Classification: Uncertain significance. Last evaluated: 2022-12-22. Review status: criteria provided, single submitter. Criteria: GeneDx Variant Classification Process June 2021. Collection method: clinical testing. Allele origin: germline. Affected: yes.
Comment: Not observed at significant frequency in large population cohorts (gnomAD); In silico analysis supports that this missense variant has a deleterious effect on protein structure/function; Has not been previously published as pathogenic or benign to our knowledge